The following is an entry in ClinVar:

ClinVar aggregate classification (germline): Uncertain significance (1 of 4 stars; one submission).

Allele frequency attached by ClinVar (database versions not stated): gnomAD exomes below 0.00001 and 0.00001; gnomAD 0.00001.
gnomAD v4.1: 11 of 1,614,022 alleles (0.00068%); highest among the groups gnomAD compares: South Asian, 0.0022%; no homozygotes.

Submission:

Labcorp Genetics (formerly Invitae), Labcorp
Classification: Uncertain significance. Last evaluated: 2024-03-18. Review status: criteria provided, single submitter. Criteria: Invitae Variant Classification Sherloc (09022015). Collection method: clinical testing. Allele origin: germline.
Comment: This sequence change replaces isoleucine, which is neutral and non-polar, with valine, which is neutral and non-polar, at codon 230 of the TSPAN12 protein (p.Ile230Val). This variant is present in population databases (no rsID available, gnomAD 0.003%). This missense change has been observed in individual(s) with clinical features of TSPAN12-related conditions (Invitae). ClinVar contains an entry for this variant (Variation ID: 1505882). Advanced modeling of protein sequence and biophysical properties (such as structural, functional, and spatial information, amino acid conservation, physicochemical variation, residue mobility, and thermodynamic stability) performed at Invitae indicates that this missense variant is not expected to disrupt TSPAN12 protein function with a negative predictive value of 80%. This variant disrupts the p.Ile230 amino acid residue in TSPAN12. Other variant(s) that disrupt this residue have been observed in individuals with TSPAN12-related conditions (PMID: 34860240; Invitae), which suggests that this may be a clinically significant amino acid residue. In summary, the available evidence is currently insufficient to determine the role of this variant in disease. Therefore, it has been classified as a Variant of Uncertain Significance.

Literature cited by the submitters: PubMed 34860240.

NM_012338.4(TSPAN12):c.688A>G (p.Ile230Val)

Gene: TSPAN12 (tetraspanin 12; minus strand). Cytogenetic location: 7q31.31.
Variant type: single nucleotide variant.
Coding change: c.688A>G on transcript NM_012338.4 (MANE Select); coding-DNA position 688, A replaced by G.
Protein change: p.Ile230Val; replaces isoleucine 230 with valine.
Molecular consequence: missense variant.
Genome position (GRCh38, 1-based): chr7:120,788,822, T>C on the plus strand (A>G on the coding strand, the complement: TSPAN12 is on the minus strand). VCF-style: chr7-120788822-T-C. GRCh37 (hg19) VCF-style: chr7-120428876-T-C.
Other names: short protein forms I230V.
Identifiers: ClinVar variation 1505882 (VCV001505882.8), dbSNP rs1020326760, ClinGen allele CA165834847.